The following is an entry in ClinVar:

ClinVar aggregate classification (germline): Uncertain significance (1 of 4 stars; one submission).

Conditions:
Cardiovascular phenotype. Identifiers: MedGen CN230736.

Submission:

Ambry Genetics
Classification: Uncertain significance for Cardiovascular phenotype. Last evaluated: 2024-04-25. Review status: criteria provided, single submitter. Criteria: Ambry Variant Classification Scheme 2023. Collection method: clinical testing. Allele origin: germline.
Comment: The p.L291F variant (also known as c.871C>T), located in coding exon 1 of the DOLK gene, results from a C to T substitution at nucleotide position 871. The leucine at codon 291 is replaced by phenylalanine, an amino acid with highly similar properties. This amino acid position is conserved. In addition, the in silico prediction for this alteration is inconclusive. Based on the available evidence, the clinical significance of this variant remains unclear.

NM_014908.4(DOLK):c.871C>T (p.Leu291Phe)

Gene: DOLK (dolichol kinase; minus strand). Cytogenetic location: 9q34.11.
Variant type: single nucleotide variant.
Coding change: c.871C>T on transcript NM_014908.4 (MANE Select); coding-DNA position 871, C replaced by T.
Protein change: p.Leu291Phe; replaces leucine 291 with phenylalanine.
Molecular consequence: missense variant.
Genome position (GRCh38, 1-based): chr9:128,946,433, G>A on the plus strand (C>T on the coding strand, the complement: DOLK is on the minus strand). VCF-style: chr9-128946433-G-A. GRCh37 (hg19) VCF-style: chr9-131708712-G-A.
Other names: short protein forms L291F.
Identifiers: ClinVar variation 3273482 (VCV003273482.1).